The following is an entry in ClinVar:

ClinVar aggregate classification (germline): Pathogenic/Likely pathogenic. Review status: criteria provided, multiple submitters, no conflicts (2 of 4 stars). 7 submissions from 7 submitters: Pathogenic (5); Likely pathogenic (1). 1 of the submissions does not count toward it. Last evaluated 2025-10-23.

Conditions:
Hematuria, benign familial, 1 (BFH1). Also called: THIN MEMBRANE NEPHROPATHY. Identifiers: MedGen CN376803, MONDO:0007709, OMIM 141200.
Autosomal recessive Alport syndrome (ATS2). Also called: ALPORT SYNDROME 2, AUTOSOMAL RECESSIVE; COL4A4 Alport Syndrome and Thin Basement Membrane Nephropathy; COL4A3-Related Nephropathy; Alport syndrome type 2. Identifiers: Orphanet 63, Orphanet 88919, MedGen C4746745, MONDO:0008762, OMIM 203780.
Inborn genetic diseases. Identifiers: MedGen C0950123, MeSH D030342.
Alport syndrome. Also called: Hemorrhagic familial nephritis; Hemorrhagic hereditary nephritis; Congenital hereditary hematuria. Identifiers: Orphanet 63, MedGen C1567741, MONDO:0018965.

Allele frequency attached by ClinVar (database versions not stated): gnomAD 0.00002; TOPMed 0.00003.
gnomAD v4.1: 34 of 1,613,904 alleles (0.0021%); highest among the groups gnomAD compares: Middle Eastern, 0.016%; no homozygotes.

Submissions (7):

3billion
Classification: Pathogenic for Autosomal recessive Alport syndrome. Last evaluated: 2025-10-23. Review status: criteria provided, single submitter. Criteria: ACMG Guidelines, 2015. Collection method: clinical testing. Allele origin: germline. Affected: yes.
Comment: The variant is observed at an extremely low frequency in the gnomAD v4.1.0 dataset (total allele frequency: 0.002%). Predicted Consequence/Location: The variant is located in a mutational hot spot and/or well-established functional domain in which established pathogenic variants have been reported (PMID: 30311386). In silico tool predictions suggest damaging effect of the variant on gene or gene product [REVEL: 0.99 (>=0.6, sensitivity 0.68 and specificity 0.92); 3Cnet: 0.98 (> 0.75, sensitivity 0.96 and precision 0.92)]. The same nucleotide change resulting in the same amino acid change has been previously reported as pathogenic/likely pathogenic with strong evidence (ClinVar ID: VCV000550588 /PMID: 16338941). The variant has been reported to be in trans with a pathogenic variant as either compound heterozygous or homozygous in at least 2 similarly affected unrelated individuals (PMID: 16338941, 24052634). The variant has been reported to co-segregate with the disease in at least one similarly affected relative/individual in the same family or similarly affected unrelated families (PMID: 16338941). A different missense change at the same codon (p.Gly864Trp) has been reported to be associated with COL4A4-related disorder (PMID: 15618242). Therefore, this variant is classified as Pathogenic according to the recommendation of ACMG/AMP guideline.

Natera, Inc.
Classification: Pathogenic for Alport syndrome. Last evaluated: 2025-09-08. Review status: criteria provided, single submitter. Criteria: Natera Variant Classification Schema (03/2026). Collection method: clinical testing. Allele origin: germline.
Comment: The c.2590G>A variant in COL4A4 is a missense variant predicted to cause substitution of glycine to arginine at amino acid 864. This variant is rare in the general population with a frequency below the threshold expected for the associated phenotype(s). This variant has been observed in one or more individuals affected with the associated recessive disease, as either homozygous or compound heterozygous with a second variant (PMID: 24052634, 31831576). This variant is located in a functionally critical region of the protein. Computational prediction algorithms indicate this variant is likely to affect gene or protein function. Given the available evidence, this variant is classified as Pathogenic.

Ambry Genetics
Classification: Likely pathogenic for Inborn genetic diseases. Last evaluated: 2025-06-24. Review status: criteria provided, single submitter. Criteria: Ambry Variant Classification Scheme 2023. Collection method: clinical testing. Allele origin: germline.
Comment: The c.2590G>A (p.G864R) alteration is located in exon 30 (coding exon 29) of the COL4A4 gene. This alteration results from a G to A substitution at nucleotide position 2590, causing the glycine (G) at amino acid position 864 to be replaced by an arginine (R). This allele was reported in one heterozygous individual in population-based cohorts in the Genome Aggregation Database (gnomAD). This variant has been identified in conjunction with other COL4A4 variants in individuals with features consistent with COL4A4-related Alport syndrome; in at least one instance, the variants were identified in trans (Longo, 2006; Storey, 2013; Landini, 2020). This amino acid position is highly conserved in available vertebrate species. This alteration is predicted to be deleterious by in silico analysis. Based on the available evidence, this alteration is classified as likely pathogenic.

Fulgent Genetics
Classification: Pathogenic for Hematuria, benign familial, 1; Autosomal recessive Alport syndrome. Last evaluated: 2024-05-17. Review status: criteria provided, single submitter. Criteria: ACMG Guidelines, 2015. Collection method: clinical testing. Allele origin: germline.

Labcorp Genetics (formerly Invitae), Labcorp
Classification: Pathogenic. Last evaluated: 2024-01-08. Review status: criteria provided, single submitter. Criteria: Invitae Variant Classification Sherloc (09022015). Collection method: clinical testing. Allele origin: germline.
Comment: This sequence change replaces glycine, which is neutral and non-polar, with arginine, which is basic and polar, at codon 864 of the COL4A4 protein (p.Gly864Arg). This variant is present in population databases (no rsID available, gnomAD 0.01%). This missense change has been observed in individuals with Alport syndrome (PMID: 16338941, 24052634). It has also been observed to segregate with disease in related individuals. ClinVar contains an entry for this variant (Variation ID: 550588). Advanced modeling of protein sequence and biophysical properties (such as structural, functional, and spatial information, amino acid conservation, physicochemical variation, residue mobility, and thermodynamic stability) performed at Invitae indicates that this missense variant is expected to disrupt COL4A4 protein function with a positive predictive value of 95%. For these reasons, this variant has been classified as Pathogenic.

Clinical Genetics Service, Universitary Hospital 12 de Octubre
Classification: Pathogenic for Hematuria, benign familial, 1. Review status: criteria provided, single submitter. Criteria: ACMG Guidelines, 2015. Collection method: clinical testing. Allele origin: maternal. Affected: yes.

Counsyl
Classification: Likely pathogenic for Autosomal recessive Alport syndrome. Last evaluated: 2017-02-10. Review status: no assertion criteria provided. Collection method: clinical testing. Allele origin: unknown. Not counted in ClinVar's aggregate classification.

Literature cited by the submitters: PubMed 24052634 (cited by 5 submitters); PubMed 15618242 (cited by 3billion); PubMed 16338941 (cited by 4 submitters); PubMed 31831576 (cited by Natera, Inc. and Ambry Genetics); PubMed 36130833 (cited by Ambry Genetics); PubMed 40115459 (cited by Ambry Genetics).

NM_000092.5(COL4A4):c.2590G>A (p.Gly864Arg)

Gene: COL4A4 (collagen type IV alpha 4 chain; minus strand). Cytogenetic location: 2q36.3.
Variant type: single nucleotide variant.
Coding change: c.2590G>A on transcript NM_000092.5 (MANE Select); coding-DNA position 2590, G replaced by A.
Protein change: p.Gly864Arg; replaces glycine 864 with arginine.
Molecular consequence: missense variant.
Genome position (GRCh38, 1-based): chr2:227,056,071, C>T on the plus strand (G>A on the coding strand, the complement: COL4A4 is on the minus strand). VCF-style: chr2-227056071-C-T. GRCh37 (hg19) VCF-style: chr2-227920787-C-T.
Other names: short protein forms G864R.
Identifiers: ClinVar variation 550588 (VCV000550588.14), dbSNP rs937550597, ClinGen allele CA66585193.
Genomic context (GRCh38, chr2:227,056,071, plus strand): 5'-GGGGACCATGTGCCCCAGGCCGTCCTGGGAGTCCGGGGAGGCCTTTCATTCCAGCTGGCC[C>T]GGGAGGCCCCACATCTCCCGGCTGTCCTTTCCCACCTGGAGCACCTAAGACAAACCACAG-3'
Protein context (NP_000083.3, residues 854-874): KGQPGDVGPP[Gly864Arg]PAGMKGLPGL